The following is an entry in ClinVar:

ClinVar aggregate classification (germline): Pathogenic (1 of 4 stars; one submission).

Conditions:
Ataxia-telangiectasia syndrome (AT). Also called: Ataxia telangiectasia (A-T); ATAXIA-TELANGIECTASIA, COMPLEMENTATION GROUP A; ATAXIA-TELANGIECTASIA, FRESNO VARIANT; Ataxia-telangiectasia; Ataxia-telangiectasia, complementation group E; LOUIS-BAR SYNDROME. Identifiers: Orphanet 100, MedGen C0004135, MONDO:0008840, OMIM 208900.

Submission:

Labcorp Genetics (formerly Invitae), Labcorp
Classification: Pathogenic for Ataxia-telangiectasia syndrome. Last evaluated: 2024-03-26. Review status: criteria provided, single submitter. Criteria: Invitae Variant Classification Sherloc (09022015). Collection method: clinical testing. Allele origin: germline.
Comment: This sequence change creates a premature translational stop signal (p.Ile2888Lysfs*3) in the ATM gene. It is expected to result in an absent or disrupted protein product. Loss-of-function variants in ATM are known to be pathogenic (PMID: 23807571, 25614872). This variant is not present in population databases (gnomAD no frequency). This variant has not been reported in the literature in individuals affected with ATM-related conditions. ClinVar contains an entry for this variant (Variation ID: 1072795). For these reasons, this variant has been classified as Pathogenic.

Literature cited by the submitters: PubMed 23807571; PubMed 25614872.

NM_000051.4(ATM):c.8663del (p.Ile2888fs)

Genes: ATM (ATM serine/threonine kinase; plus strand), C11orf65 (chromosome 11 open reading frame 65; minus strand). Cytogenetic location: 11q22.3.
Variant type: Deletion.
Coding change: c.8663del on transcript NM_000051.4 (MANE Select); coding-DNA position 8663, one base deleted (T; older notation c.8663delT).
Protein change: p.Ile2888fs; shifts the reading frame from isoleucine 2888.
Molecular consequence: frameshift variant. On other transcripts: intron variant (2).
Genome position (GRCh38, 1-based): chr11:108,347,357, T deleted. VCF-style (leftmost placement, unchanged base first): chr11-108347356-AT-A. GRCh37 (hg19) VCF-style: chr11-108218083-AT-A.
Other names: c.8663del, p.Ile2888fs (NM_001351834.2); c.641-38286del (NM_001330368.2); c.695-12065del (NM_001351110.2); short protein forms I2888fs.
Identifiers: ClinVar variation 1072795 (VCV001072795.7), dbSNP rs2137085814, ClinGen allele CA2499220733.
Genomic context (GRCh38, chr11:108,347,356, plus strand): 5'-CTTGGTGATAGACATGTACAGAATATCTTGATAAATGAGCAGTCAGCAGAACTTGTACAT[AT>A]AGATCTAGGTAAGTAATAAAATCTATGTATCTATTCTTTTTAGTAAATATTTGGTCATCA-3'